The following is an entry in ClinVar:

NM_000081.4(LYST):c.4081C>T (p.Leu1361Phe)

Gene: LYST (lysosomal trafficking regulator; minus strand). Cytogenetic location: 1q42.3.
Variant type: single nucleotide variant.
Coding change: c.4081C>T on transcript NM_000081.4 (MANE Select); coding-DNA position 4081, C replaced by T.
Protein change: p.Leu1361Phe; replaces leucine 1361 with phenylalanine.
Molecular consequence: missense variant.
Genome position (GRCh38, 1-based): chr1:235,793,538, G>A on the plus strand (C>T on the coding strand, the complement: LYST is on the minus strand). VCF-style: chr1-235793538-G-A. GRCh37 (hg19) VCF-style: chr1-235956838-G-A.
Other names: c.4081C>T (NM_000081.2); c.4081C>T, p.Leu1361Phe (NM_001301365.1); short protein forms L1361F.
Identifiers: ClinVar variation 1492846 (VCV001492846.9), dbSNP rs765278943, ClinGen allele CA1466927.

ClinVar aggregate classification (germline): Uncertain significance. Review status: criteria provided, multiple submitters, no conflicts (2 of 4 stars). 4 submissions from 4 submitters: Uncertain significance (4). Last evaluated 2025-12-20.

Conditions:
Chédiak-Higashi syndrome (CHS). Also called: Chediak-Higashi Syndrome. Identifiers: Orphanet 167, MedGen C0007965, MONDO:0008963, OMIM 214500.

Allele frequency attached by ClinVar (database versions not stated): gnomAD 0.00002; TOPMed 0.00002; gnomAD exomes 0.00003; ExAC 0.00012.
gnomAD v4.1: 51 of 1,588,910 alleles (0.0032%); highest among the groups gnomAD compares: Middle Eastern, 0.017%; no homozygotes.

Submissions (4):

Labcorp Genetics (formerly Invitae), Labcorp
Classification: Uncertain significance for Chédiak-Higashi syndrome. Last evaluated: 2025-12-20. Review status: criteria provided, single submitter. Criteria: Invitae Variant Classification Sherloc (09022015). Collection method: clinical testing. Allele origin: germline.
Comment: This sequence change replaces leucine, which is neutral and non-polar, with phenylalanine, which is neutral and non-polar, at codon 1361 of the LYST protein (p.Leu1361Phe). This variant is present in population databases (rs765278943, gnomAD 0.02%). This variant has not been reported in the literature in individuals affected with LYST-related conditions. ClinVar contains an entry for this variant (Variation ID: 1492846). Invitae Evidence Modeling of protein sequence and biophysical properties (such as structural, functional, and spatial information, amino acid conservation, physicochemical variation, residue mobility, and thermodynamic stability) indicates that this missense variant is not expected to disrupt LYST protein function with a negative predictive value of 80%. In summary, the available evidence is currently insufficient to determine the role of this variant in disease. Therefore, it has been classified as a Variant of Uncertain Significance.

GeneDx
Classification: Uncertain significance. Last evaluated: 2025-05-20. Review status: criteria provided, single submitter. Criteria: GeneDx Variant Classification Process June 2021. Collection method: clinical testing. Allele origin: germline. Affected: yes.
Comment: In silico analysis suggests that this missense variant does not alter protein structure/function; Has not been previously published as pathogenic or benign to our knowledge

Department of Pathology and Laboratory Medicine, Sinai Health System
Classification: Uncertain significance for Chédiak-Higashi syndrome. Last evaluated: 2021-11-17. Review status: criteria provided, single submitter. Criteria: ACMG Guidelines, 2015. Collection method: research. Allele origin: germline.

Blueprint Genetics
Classification: Uncertain significance. Last evaluated: 2020-07-16. Review status: criteria provided, single submitter. Criteria: ACMG Guidelines, 2015. Collection method: clinical testing. Allele origin: germline.